The following is an entry in ClinVar:

NM_001142800.2(EYS):c.8048C>A (p.Thr2683Asn)

Gene: EYS (EGF-like photoreceptor maintenance factor; minus strand). Cytogenetic location: 6q12.
Variant type: single nucleotide variant.
Coding change: c.8048C>A on transcript NM_001142800.2 (MANE Select); coding-DNA position 8048, C replaced by A.
Protein change: p.Thr2683Asn; replaces threonine 2683 with asparagine.
Molecular consequence: missense variant.
Genome position (GRCh38, 1-based): chr6:63,762,484, G>T on the plus strand (C>A on the coding strand, the complement: EYS is on the minus strand). VCF-style: chr6-63762484-G-T. GRCh37 (hg19) VCF-style: chr6-64472377-G-T.
Other names: c.8048C>A, p.Thr2683Asn (NM_001292009.2); c.8048C>A (NM_001142800.1); short protein forms T2683N.
Identifiers: ClinVar variation 990441 (VCV000990441.4), dbSNP rs996098321, ClinGen allele CA140241317.

ClinVar aggregate classification (germline): Uncertain significance. Review status: criteria provided, multiple submitters, no conflicts (2 of 4 stars). 3 submissions from 3 submitters: Uncertain significance (2). 1 of the submissions does not count toward it. Last evaluated 2025-07-24.

Conditions:
EYS-related disorder. Also called: EYS-related condition.
Autosomal recessive retinitis pigmentosa. Identifiers: MedGen C0339526.

Allele frequency attached by ClinVar (database versions not stated): gnomAD 0.00007; TOPMed 0.00007.
gnomAD v4.1: 18 of 1,549,988 alleles (0.0012%); highest among the groups gnomAD compares: African/African-American, 0.023%; no homozygotes.

Submissions (3):

PreventionGenetics, part of Exact Sciences
Classification: Uncertain significance for EYS-related condition. Last evaluated: 2025-07-24. Review status: criteria provided, single submitter. Criteria: ACMG Guidelines, 2015. Collection method: clinical testing. Allele origin: germline.
Comment: The EYS c.8048C>A variant is predicted to result in the amino acid substitution p.Thr2683Asn. To our knowledge, this variant has not been reported in the literature. This variant is reported in 0.046% of alleles in individuals of African descent in gnomAD. At this time, the clinical significance of this variant is uncertain due to the absence of conclusive functional and genetic evidence.

Labcorp Genetics (formerly Invitae), Labcorp
Classification: Uncertain significance. Last evaluated: 2021-08-31. Review status: criteria provided, single submitter. Criteria: Invitae Variant Classification Sherloc (09022015). Collection method: clinical testing. Allele origin: germline.
Comment: This sequence change replaces threonine with asparagine at codon 2683 of the EYS protein (p.Thr2683Asn). The threonine residue is highly conserved and there is a small physicochemical difference between threonine and asparagine. This variant is not present in population databases (ExAC no frequency). This variant has not been reported in the literature in individuals affected with EYS-related conditions. Algorithms developed to predict the effect of missense changes on protein structure and function are either unavailable or do not agree on the potential impact of this missense change (SIFT: "Deleterious"; PolyPhen-2: "Probably Damaging"; Align-GVGD: "Class C0"). In summary, the available evidence is currently insufficient to determine the role of this variant in disease. Therefore, it has been classified as a Variant of Uncertain Significance.

Natera, Inc.
Classification: Uncertain significance for Autosomal recessive retinitis pigmentosa. Last evaluated: 2020-11-06. Review status: no assertion criteria provided. Collection method: clinical testing. Allele origin: germline. Not counted in ClinVar's aggregate classification.